The following is an entry in ClinVar:

NM_001366385.1(CARD14):c.977A>C (p.Lys326Thr)

Gene: CARD14 (caspase recruitment domain family member 14; plus strand). Cytogenetic location: 17q25.3.
Variant type: single nucleotide variant.
Coding change: c.977A>C on transcript NM_001366385.1 (MANE Select); coding-DNA position 977, A replaced by C.
Protein change: p.Lys326Thr; replaces lysine 326 with threonine.
Molecular consequence: missense variant.
Genome position (GRCh38, 1-based): chr17:80,190,787, A>C. VCF-style: chr17-80190787-A-C. GRCh37 (hg19) VCF-style: chr17-78164586-A-C.
Other names: c.977A>C (NM_024110.3); c.977A>C, p.Lys326Thr (NM_001257970.1, NM_024110.4); c.266A>C, p.Lys89Thr (NM_052819.3); short protein forms K326T, K89T.
Identifiers: ClinVar variation 2930346 (VCV002930346.4), dbSNP rs777250151, ClinGen allele CA8816619.

ClinVar aggregate classification (germline): Uncertain significance. Review status: criteria provided, multiple submitters, no conflicts (2 of 4 stars). 2 submissions from 2 submitters: Uncertain significance (2). Last evaluated 2025-11-25.

Conditions:
Pityriasis rubra pilaris (PRP). Also called: Pityriasis rubra pilaris--familial type. Identifiers: Orphanet 2897, MedGen C0032027, MONDO:0100017, OMIM 173200, MONDO:0008251.
Psoriasis 2. Identifiers: MedGen C1864497, MONDO:0011269, OMIM 602723.
Inborn genetic diseases. Identifiers: MedGen C0950123, MeSH D030342.

Allele frequency attached by ClinVar (database versions not stated): TOPMed below 0.00001; gnomAD exomes 0.00001; ExAC 0.00003.

Submissions (2):

Labcorp Genetics (formerly Invitae), Labcorp
Classification: Uncertain significance for Pityriasis rubra pilaris; Psoriasis 2. Last evaluated: 2025-11-25. Review status: criteria provided, single submitter. Criteria: Invitae Variant Classification Sherloc (09022015). Collection method: clinical testing. Allele origin: germline.
Comment: This sequence change replaces lysine, which is basic and polar, with threonine, which is neutral and polar, at codon 326 of the CARD14 protein (p.Lys326Thr). This variant is present in population databases (rs777250151, gnomAD 0.02%). This variant has not been reported in the literature in individuals affected with CARD14-related conditions. ClinVar contains an entry for this variant (Variation ID: 2930346). Invitae Evidence Modeling of protein sequence and biophysical properties (such as structural, functional, and spatial information, amino acid conservation, physicochemical variation, residue mobility, and thermodynamic stability) indicates that this missense variant is not expected to disrupt CARD14 protein function with a negative predictive value of 95%. In summary, the available evidence is currently insufficient to determine the role of this variant in disease. Therefore, it has been classified as a Variant of Uncertain Significance.

Ambry Genetics
Classification: Uncertain significance for Inborn genetic diseases. Last evaluated: 2022-08-30. Review status: criteria provided, single submitter. Criteria: Ambry Variant Classification Scheme 2023. Collection method: clinical testing. Allele origin: germline.